The following is an entry in ClinVar:

ClinVar aggregate classification (germline): Pathogenic (1 of 4 stars; one submission).

Submission:

Labcorp Genetics (formerly Invitae), Labcorp
Classification: Pathogenic. Last evaluated: 2023-02-04. Review status: criteria provided, single submitter. Criteria: Invitae Variant Classification Sherloc (09022015). Collection method: clinical testing. Allele origin: unknown.
Comment: This variant is a gross deletion of the genomic region encompassing exon(s) 99-104 of the COL7A1 gene. This variant would be expected to be in-frame, preserving the integrity of the reading frame. This variant has not been reported in the literature in individuals affected with COL7A1-related conditions. This variant disrupts the triple helix domain of COL7A1. Glycine residues within the Gly-Xaa-Yaa repeats of the triple helix domain are required for the structure and stability of fibrillar collagens (PMID: 7695699, 8218237, 19344236), and variants at these glycine residues in COL7A1 are more frequently observed in individuals with disease than in the general population (PMID: 22058051). However, the clinical significance of this observation remains uncertain since only a limited number of affected individuals have been described to date. This variant disrupts the p.Gly2575Arg amino acid residue in COL7A1. Other variant(s) that disrupt this residue have been determined to be pathogenic (PMID: 8592061, 16971478, 18450758). This suggests that this residue is clinically significant, and that variants that disrupt this residue are likely to be disease-causing. For these reasons, this variant has been classified as Pathogenic.

Literature cited by the submitters: PubMed 7695699; PubMed 8218237; PubMed 19344236; PubMed 22058051; PubMed 8592061; PubMed 16971478; PubMed 18450758.

NC_000003.11:g.(?_48605912)_(48607368_?)del

Gene: COL7A1 (collagen type VII alpha 1 chain; minus strand). Cytogenetic location: 3p21.31.
Variant type: Deletion.
Identifiers: ClinVar variation 3246952 (VCV003246952.1).